The following is an entry in ClinVar:

NM_002230.4(JUP):c.704T>A (p.Leu235His)

Gene: JUP (junction plakoglobin; minus strand). Cytogenetic location: 17q21.2.
Variant type: single nucleotide variant.
Coding change: c.704T>A on transcript NM_002230.4 (MANE Select); coding-DNA position 704, T replaced by A.
Protein change: p.Leu235His; replaces leucine 235 with histidine.
Molecular consequence: missense variant.
Genome position (GRCh38, 1-based): chr17:41,768,972, A>T on the plus strand (T>A on the coding strand, the complement: JUP is on the minus strand). VCF-style: chr17-41768972-A-T. GRCh37 (hg19) VCF-style: chr17-39925224-A-T.
Other names: p.L235H:CTC>CAC; c.704T>A, p.Leu235His (NM_001352773.2, NM_001352774.2, NM_001352775.2 and 3 more transcripts); short protein forms L235H.
Identifiers: ClinVar variation 201816 (VCV000201816.2), dbSNP rs794729038, ClinGen allele CA308486.
Genomic context (GRCh38, chr17:41,768,972, plus strand): 5'-GGGAGAGGCCCAAGTGAGAGGGGGTCCTGGGCTCATGCAGTGAGCAGGGTTGGGTACCTG[A>T]GCATGCGGACCAGAGCAGGGATGCCACCCGACTTGAAGATGGCGAGCAGCCCCTCCCGGT-3'
Protein context (NP_002221.1, residues 225-245): SGGIPALVRM[Leu235His]SSPVESVLFY

ClinVar aggregate classification (germline): Uncertain significance (1 of 4 stars; one submission).

Submission:

GeneDx
Classification: Uncertain significance. Last evaluated: 2014-02-07. Review status: criteria provided, single submitter. Criteria: GeneDx Variant Classification (06012015). Collection method: clinical testing. Allele origin: germline. Affected: yes.
Comment: p.Leu235His (CTC>CAC): c.704 T>A in exon 4 of the JUP gene (NM_002230.2). The L235H variant in the JUP gene has not been reported as a disease-causing mutation or as a benign polymorphism to our knowledge. The L235H variant is a non-conservative amino acid substitution as these residues differ in polarity, charge, size and/or other properties and is more likely to impact secondary structure. The L235 residue is conserved across species. In silico analysis predicts L235H is probably damaging to the protein structure/function. The L235H variant was not observed in approximately 6,500 individuals of European and African American ancestry in the NHLBI Exome Sequencing Project, indicating it is not a common benign variant in these populations. The variant is found in ARVC panel(s).